The following is an entry in ClinVar:

ClinVar aggregate classification (germline): Uncertain significance (1 of 4 stars; one submission).

Conditions:
Aicardi-Goutieres syndrome 4. Identifiers: Orphanet 51, MedGen C1835912, MONDO:0012472, OMIM 610333.

Allele frequency attached by ClinVar (database versions not stated): gnomAD exomes 0.00001 and 0.00003; ExAC 0.00004.

Submission:

Labcorp Genetics (formerly Invitae), Labcorp
Classification: Uncertain significance for Aicardi-Goutieres syndrome 4. Last evaluated: 2021-09-01. Review status: criteria provided, single submitter. Criteria: Invitae Variant Classification Sherloc (09022015). Collection method: clinical testing. Allele origin: germline.
Comment: This sequence change replaces alanine with serine at codon 168 of the RNASEH2A protein (p.Ala168Ser). The alanine residue is highly conserved and there is a moderate physicochemical difference between alanine and serine. This variant is present in population databases (rs772940870, ExAC 0.02%). This variant has not been reported in the literature in individuals affected with RNASEH2A-related conditions. Algorithms developed to predict the effect of missense changes on protein structure and function (SIFT, PolyPhen-2, Align-GVGD) all suggest that this variant is likely to be disruptive. In summary, the available evidence is currently insufficient to determine the role of this variant in disease. Therefore, it has been classified as a Variant of Uncertain Significance.

NM_006397.3(RNASEH2A):c.502G>T (p.Ala168Ser)

Gene: RNASEH2A (ribonuclease H2 subunit A; plus strand). Cytogenetic location: 19p13.13.
Variant type: single nucleotide variant.
Coding change: c.502G>T on transcript NM_006397.3 (MANE Select); coding-DNA position 502, G replaced by T.
Protein change: p.Ala168Ser; replaces alanine 168 with serine.
Molecular consequence: missense variant.
Genome position (GRCh38, 1-based): chr19:12,810,161, G>T. VCF-style: chr19-12810161-G-T. GRCh37 (hg19) VCF-style: chr19-12920975-G-T.
Other names: short protein forms A168S.
Identifiers: ClinVar variation 1383789 (VCV001383789.5), dbSNP rs772940870, ClinGen allele CA9231919.